The following is an entry in ClinVar:

NM_001037.5(SCN1B):c.198G>T (p.Glu66Asp)

Gene: SCN1B (sodium voltage-gated channel beta subunit 1; plus strand). Cytogenetic location: 19q13.11.
Variant type: single nucleotide variant.
Coding change: c.198G>T on transcript NM_001037.5 (MANE Select); coding-DNA position 198, G replaced by T.
Protein change: p.Glu66Asp; replaces glutamic acid 66 with aspartic acid.
Molecular consequence: missense variant.
Genome position (GRCh38, 1-based): chr19:35,032,685, G>T. VCF-style: chr19-35032685-G-T. GRCh37 (hg19) VCF-style: chr19-35523589-G-T.
Other names: c.99G>T, p.Glu33Asp (NM_001321605.2); c.198G>T, p.Glu66Asp (NM_199037.5); short protein forms E33D, E66D.
Identifiers: ClinVar variation 3629015 (VCV003629015.2).

ClinVar aggregate classification (germline): Uncertain significance (1 of 4 stars; one submission).

Conditions:
Brugada syndrome 5 (BRGDA5). Identifiers: Orphanet 130, Orphanet 871, MedGen C2748541, MONDO:0013015, OMIM 612838.

Submission:

Labcorp Genetics (formerly Invitae), Labcorp
Classification: Uncertain significance for Brugada syndrome 5. Last evaluated: 2024-12-30. Review status: criteria provided, single submitter. Criteria: Invitae Variant Classification Sherloc (09022015). Collection method: clinical testing. Allele origin: germline.
Comment: This sequence change replaces glutamic acid, which is acidic and polar, with aspartic acid, which is acidic and polar, at codon 66 of the SCN1B protein (p.Glu66Asp). This variant is not present in population databases (gnomAD no frequency). This variant has not been reported in the literature in individuals affected with SCN1B-related conditions. An algorithm developed to predict the effect of missense changes on protein structure and function outputs the following: PolyPhen-2: "Possibly Damaging". The aspartic acid amino acid residue is found in multiple mammalian species, which suggests that this missense change does not adversely affect protein function. In summary, the available evidence is currently insufficient to determine the role of this variant in disease. Therefore, it has been classified as a Variant of Uncertain Significance.